The following is an entry in ClinVar:

NM_002941.4(ROBO1):c.2621A>G (p.His874Arg)

Gene: ROBO1 (roundabout guidance receptor 1; minus strand). Cytogenetic location: 3p12.3.
Variant type: single nucleotide variant.
Coding change: c.2621A>G on transcript NM_002941.4 (MANE Select); coding-DNA position 2621, A replaced by G.
Protein change: p.His874Arg; replaces histidine 874 with arginine.
Molecular consequence: missense variant.
Genome position (GRCh38, 1-based): chr3:78,651,923, T>C on the plus strand (A>G on the coding strand, the complement: ROBO1 is on the minus strand). VCF-style: chr3-78651923-T-C. GRCh37 (hg19) VCF-style: chr3-78701073-T-C.
Other names: c.2513A>G, p.His838Arg (NM_001145844.1, NM_001145845.2, NM_133631.4); c.2621A>G (NM_002941.3); short protein forms H874R, H838R.
Identifiers: ClinVar variation 1953432 (VCV001953432.6), dbSNP rs1167335531, ClinGen allele CA353660195.

ClinVar aggregate classification (germline): Uncertain significance. Review status: criteria provided, multiple submitters, no conflicts (2 of 4 stars). 2 submissions from 2 submitters: Uncertain significance (2). Last evaluated 2025-08-25.

Conditions:
Inborn genetic diseases. Identifiers: MedGen C0950123, MeSH D030342.

Allele frequency attached by ClinVar (database versions not stated): gnomAD 0.00001; gnomAD exomes 0.00001; TOPMed below 0.00001.
gnomAD v4.1: 19 of 1,612,088 alleles (0.0012%); highest among the groups gnomAD compares: African/African-American, 0.004%; no homozygotes.

Submissions (2):

Ambry Genetics
Classification: Uncertain significance for Inborn genetic diseases. Last evaluated: 2025-08-25. Review status: criteria provided, single submitter. Criteria: Ambry Variant Classification Scheme 2023. Collection method: clinical testing. Allele origin: germline.

Labcorp Genetics (formerly Invitae), Labcorp
Classification: Uncertain significance. Last evaluated: 2025-07-03. Review status: criteria provided, single submitter. Criteria: Invitae Variant Classification Sherloc (09022015). Collection method: clinical testing. Allele origin: germline.
Comment: This sequence change replaces histidine, which is basic and polar, with arginine, which is basic and polar, at codon 874 of the ROBO1 protein (p.His874Arg). This variant is present in population databases (no rsID available, gnomAD 0.0009%). This variant has not been reported in the literature in individuals affected with ROBO1-related conditions. ClinVar contains an entry for this variant (Variation ID: 1953432). Invitae Evidence Modeling of protein sequence and biophysical properties (such as structural, functional, and spatial information, amino acid conservation, physicochemical variation, residue mobility, and thermodynamic stability) indicates that this missense variant is not expected to disrupt ROBO1 protein function with a negative predictive value of 95%. In summary, the available evidence is currently insufficient to determine the role of this variant in disease. Therefore, it has been classified as a Variant of Uncertain Significance.